The following is an entry in ClinVar:

ClinVar aggregate classification (germline): Pathogenic (1 of 4 stars; one submission).

Conditions:
Gorlin syndrome. Also called: Nevoid Basal Cell Carcinoma Syndrome; Basal cell nevus syndrome. Identifiers: Orphanet 377, MedGen C0004779, MONDO:0007187.

Submission:

Labcorp Genetics (formerly Invitae), Labcorp
Classification: Pathogenic for Gorlin syndrome. Last evaluated: 2025-05-30. Review status: criteria provided, single submitter. Criteria: Invitae Variant Classification Sherloc (09022015). Collection method: clinical testing. Allele origin: germline.
Comment: This sequence change affects an acceptor splice site in intron 15 of the PTCH1 gene. It is expected to disrupt RNA splicing. Variants that disrupt the donor or acceptor splice site typically lead to a loss of protein function (PMID: 16199547), and loss-of-function variants in PTCH1 are known to be pathogenic (PMID: 16301862, 16419085). This variant is not present in population databases (gnomAD no frequency). Disruption of this splice site has been observed in individuals with clinical features of basal cell nevus syndrome (internal data). ClinVar contains an entry for this variant (Variation ID: 237472). Algorithms developed to predict the effect of sequence changes on RNA splicing suggest that this variant may disrupt the consensus splice site. For these reasons, this variant has been classified as Pathogenic.

Literature cited by the submitters: PubMed 16199547; PubMed 16301862; PubMed 16419085.

NM_000264.5(PTCH1):c.2561-2A>T

Gene: PTCH1 (patched 1; minus strand). Cytogenetic location: 9q22.32.
Variant type: single nucleotide variant.
Coding change: c.2561-2A>T on transcript NM_000264.5 (MANE Select); the canonical splice acceptor site of the intron before coding-DNA position 2561, A replaced by T.
Molecular consequence: splice acceptor variant.
Genome position (GRCh38, 1-based): chr9:95,462,000, T>A on the plus strand (A>T on the coding strand, the complement: PTCH1 is on the minus strand). VCF-style: chr9-95462000-T-A. GRCh37 (hg19) VCF-style: chr9-98224282-T-A.
Other names: c.2558-2A>T (NM_001083603.3); c.2363-2A>T (NM_001083602.3); c.2405-2A>T (NM_001354918.2); c.2108-2A>T (NM_001083605.3, NM_001083604.3, NM_001083606.3 and 1 more transcripts).
Identifiers: ClinVar variation 237472 (VCV000237472.9), dbSNP rs878853852, ClinGen allele CA10582678.
Genomic context (GRCh38, chr9:95,462,000, plus strand): 5'-GTAATTGTTTGGCATGATTTTCCCGGTTTCCCAGTCACTGTCAAATGCATCCTGAAGTCC[T>A]AGAAATGGCAAATGATTGTAACACATTATAACTCGCAGCCAGAAGGACCCTGGTCCTAGC-3'